The following is an entry in ClinVar:

NM_138927.4(SON):c.2201A>G (p.Gln734Arg)

Gene: SON (SON DNA and RNA binding protein; plus strand). Cytogenetic location: 21q22.11.
Variant type: single nucleotide variant.
Coding change: c.2201A>G on transcript NM_138927.4 (MANE Select); coding-DNA position 2201, A replaced by G.
Protein change: p.Gln734Arg; replaces glutamine 734 with arginine.
Molecular consequence: missense variant. On other transcripts: non-coding transcript variant (1), intron variant (1).
Genome position (GRCh38, 1-based): chr21:33,551,432, A>G. VCF-style: chr21-33551432-A-G. GRCh37 (hg19) VCF-style: chr21-34923738-A-G.
Other names: c.2201A>G, p.Gln734Arg (NM_001291411.2, NM_001412133.1, NM_032195.3 and 2 more transcripts); c.244+5053A>G (NM_001291412.3); short protein forms Q734R.
Identifiers: ClinVar variation 2888093 (VCV002888093.3), dbSNP rs372724531, ClinGen allele CA320150270.
Genomic context (GRCh38, chr21:33,551,432, plus strand): 5'-ATATATTAGCTTCTAACACCATGGAGACCCATATATTAGCATCCAACACCATGGACTCCC[A>G]AATGCTAGCGTCCAACACCATGGACTCCCAGATGCTAGCATCCAACACCATGGACTCCCA-3'
Protein context (NP_620305.3, residues 724-744): HILASNTMDS[Gln734Arg]MLASNTMDSQ

ClinVar aggregate classification (germline): Uncertain significance (1 of 4 stars; one submission).

Allele frequency attached by ClinVar (database versions not stated): gnomAD exomes below 0.00001; gnomAD 0.00001; ESP Exome Variant Server 0.00008.

Submission:

Labcorp Genetics (formerly Invitae), Labcorp
Classification: Uncertain significance. Last evaluated: 2025-05-22. Review status: criteria provided, single submitter. Criteria: Invitae Variant Classification Sherloc (09022015). Collection method: clinical testing. Allele origin: germline.
Comment: This sequence change replaces glutamine, which is neutral and polar, with arginine, which is basic and polar, at codon 734 of the SON protein (p.Gln734Arg). This variant is present in population databases (rs372724531, gnomAD 0.007%). This variant has not been reported in the literature in individuals affected with SON-related conditions. ClinVar contains an entry for this variant (Variation ID: 2888093). An algorithm developed to predict the effect of missense changes on protein structure and function (PolyPhen-2) suggests that this variant is likely to be disruptive. In summary, the available evidence is currently insufficient to determine the role of this variant in disease. Therefore, it has been classified as a Variant of Uncertain Significance.